The following is an entry in ClinVar:

ClinVar aggregate classification (germline): Uncertain significance (1 of 4 stars; one submission).

Conditions:
Primary ciliary dyskinesia. Also called: Ciliary dyskinesia. Identifiers: Orphanet 244, MedGen C0008780, MONDO:0016575, HP:0012265.

Submission:

Labcorp Genetics (formerly Invitae), Labcorp
Classification: Uncertain significance for Primary ciliary dyskinesia. Last evaluated: 2022-05-19. Review status: criteria provided, single submitter. Criteria: Invitae Variant Classification Sherloc (09022015). Collection method: clinical testing. Allele origin: germline.
Comment: This sequence change replaces tyrosine, which is neutral and polar, with serine, which is neutral and polar, at codon 537 of the DNAH11 protein (p.Tyr537Ser). This variant has not been reported in the literature in individuals affected with DNAH11-related conditions. This variant is not present in population databases (gnomAD no frequency). In summary, the available evidence is currently insufficient to determine the role of this variant in disease. Therefore, it has been classified as a Variant of Uncertain Significance. Advanced modeling of protein sequence and biophysical properties (such as structural, functional, and spatial information, amino acid conservation, physicochemical variation, residue mobility, and thermodynamic stability) performed at Invitae indicates that this missense variant is not expected to disrupt DNAH11 protein function.

NM_001277115.2(DNAH11):c.1610A>C (p.Tyr537Ser)

Gene: DNAH11 (dynein axonemal heavy chain 11; plus strand). Cytogenetic location: 7p15.3.
Variant type: single nucleotide variant.
Coding change: c.1610A>C on transcript NM_001277115.2 (MANE Select); coding-DNA position 1610, A replaced by C.
Protein change: p.Tyr537Ser; replaces tyrosine 537 with serine.
Molecular consequence: missense variant.
Genome position (GRCh38, 1-based): chr7:21,581,921, A>C. VCF-style: chr7-21581921-A-C. GRCh37 (hg19) VCF-style: chr7-21621539-A-C.
Other names: c.1610A>C, p.Tyr537Ser (NM_003777.3); short protein forms Y537S.
Identifiers: ClinVar variation 2201176 (VCV002201176.4), dbSNP rs2534563628, ClinGen allele CA366937101.
Genomic context (GRCh38, chr7:21,581,921, plus strand): 5'-TGGATTATTTCCAATATACTAATATTTCACTTTGAATTTTACAGGAGTTTGAAAGTGATT[A>C]TGTGGCATTTAAGTCCAAAACTCTGGAATTTGACAGAAGGCTTGGGACAATTATTTGTGA-3'
Protein context (NP_001264044.1, residues 527-547): DCTNMEFESD[Tyr537Ser]VAFKSKTLEF